The following is an entry in ClinVar:

NM_004629.2(FANCG):c.955C>A (p.Pro319Thr)

Gene: FANCG (FA complementation group G; minus strand). Cytogenetic location: 9p13.3.
Variant type: single nucleotide variant.
Coding change: c.955C>A on transcript NM_004629.2 (MANE Select); coding-DNA position 955, C replaced by A.
Protein change: p.Pro319Thr; replaces proline 319 with threonine.
Molecular consequence: missense variant.
Genome position (GRCh38, 1-based): chr9:35,076,553, G>T on the plus strand (C>A on the coding strand, the complement: FANCG is on the minus strand). VCF-style: chr9-35076553-G-T. GRCh37 (hg19) VCF-style: chr9-35076550-G-T.
Other names: short protein forms P319T.
Identifiers: ClinVar variation 2073501 (VCV002073501.4), dbSNP rs1459299398, ClinGen allele CA373311174.
Genomic context (GRCh38, chr9:35,076,553, plus strand): 5'-GAAGGGGTGAGGCTAGGTCAGGTGGTGGCAGTAGTAATTCTACCTCAATGAGAAACTGCG[G>T]GGCTTTGGAACTGCATGGGACATTCAAGGCCTAAAAGAGAAAGAAAAAAATTGTATCTAT-3'
Protein context (NP_004620.1, residues 309-329): ALNVPCSSKA[Pro319Thr]QFLIEVELLL

ClinVar aggregate classification (germline): Uncertain significance. Review status: criteria provided, multiple submitters, no conflicts (2 of 4 stars). 3 submissions from 3 submitters: Uncertain significance (3). Last evaluated 2025-05-06.

Conditions:
Inborn genetic diseases. Identifiers: MedGen C0950123, MeSH D030342.
Fanconi anemia (FA). Also called: Fanconi's anemia. Identifiers: Orphanet 84, MedGen C0015625, MeSH D005199, MONDO:0019391.

Allele frequency attached by ClinVar (database versions not stated): gnomAD 0.00001; gnomAD exomes below 0.00001.

Submissions (3):

Dasa
Classification: Uncertain significance. Last evaluated: 2025-05-06. Review status: criteria provided, single submitter. Criteria: DASA Assertion Criteria. Collection method: clinical testing. Allele origin: germline.
Comment: NM_004629.2(FANCG):c.955C>A (p.Pro319Thr) is a missense variant that results in the substitution of proline with threonine. This variant is rare in population databases. Computational prediction algorithms are consistent with a benign effect. The currently available literature and clinical evidence are not sufficient to establish a definitive association between this variant and the reported condition. Therefore, this variant is classified as a variant of uncertain significance.

Ambry Genetics
Classification: Uncertain significance for Inborn genetic diseases. Last evaluated: 2025-02-22. Review status: criteria provided, single submitter. Criteria: Ambry Variant Classification Scheme 2023. Collection method: clinical testing. Allele origin: germline.
Comment: The p.P319T variant (also known as c.955C>A), located in coding exon 8 of the FANCG gene, results from a C to A substitution at nucleotide position 955. The proline at codon 319 is replaced by threonine, an amino acid with highly similar properties. This amino acid position is conserved. In addition, this alteration is predicted to be tolerated by in silico analysis. Based on the available evidence, the clinical significance of this variant remains unclear.

Labcorp Genetics (formerly Invitae), Labcorp
Classification: Uncertain significance for Fanconi anemia. Last evaluated: 2021-09-17. Review status: criteria provided, single submitter. Criteria: Invitae Variant Classification Sherloc (09022015). Collection method: clinical testing. Allele origin: germline.
Comment: This sequence change replaces proline with threonine at codon 319 of the FANCG protein (p.Pro319Thr). The proline residue is weakly conserved and there is a small physicochemical difference between proline and threonine. This variant is not present in population databases (ExAC no frequency). This variant has not been reported in the literature in individuals with FANCG-related conditions. Algorithms developed to predict the effect of missense changes on protein structure and function (SIFT, PolyPhen-2, Align-GVGD) all suggest that this variant is likely to be tolerated, but these predictions have not been confirmed by published functional studies and their clinical significance is uncertain. In summary, the available evidence is currently insufficient to determine the role of this variant in disease. Therefore, it has been classified as a Variant of Uncertain Significance.